The following is an entry in ClinVar:

NM_001044385.3(TMEM237):c.-45G>A

Genes: TMEM237 (transmembrane protein 237; minus strand), LOC129935417 (ATAC-STARR-seq lymphoblastoid silent region 12235; plus strand). Cytogenetic location: 2q33.1.
Variant type: single nucleotide variant.
Coding change: c.-45G>A on transcript NM_001044385.3 (MANE Select); 45 bases upstream of the start codon, G replaced by A.
Molecular consequence: 5 prime UTR variant.
Genome position (GRCh38, 1-based): chr2:201,643,445, C>T on the plus strand (G>A on the coding strand, the complement: TMEM237 is on the minus strand). VCF-style: chr2-201643445-C-T. GRCh37 (hg19) VCF-style: chr2-202508168-C-T.
Identifiers: ClinVar variation 511680 (VCV000511680.1), dbSNP rs377533527, ClinGen allele CA2056714.
Genomic context (GRCh38, chr2:201,643,445, plus strand): 5'-CCGAGTCAGTCCTCATGGTGCTCTCCCCGCGGGGCTGCCCCGGCGCAACCGCCGGCGGCC[C>T]GAGCCCAGCTCCCCGCGACGCAGCGGCCTCCGGGACCTGTGGGACGCCGGGGCTTCGTGG-3'

ClinVar aggregate classification (germline): Likely benign (1 of 4 stars; one submission).

Allele frequency attached by ClinVar (database versions not stated): TOPMed 0.00007; gnomAD exomes 0.00012; ExAC 0.00021; 1000 Genomes Project 30x 0.00109; 1000 Genomes Project 0.00240.
gnomAD v4.1: 51 of 1,460,932 alleles (0.0035%); highest among the groups gnomAD compares: East Asian, 0.087%; no homozygotes.

Submission:

GeneDx
Classification: Likely benign. Last evaluated: 2017-08-31. Review status: criteria provided, single submitter. Criteria: GeneDx Variant Classification (06012015). Collection method: clinical testing. Allele origin: germline. Affected: yes.
Comment: This variant is considered likely benign or benign based on one or more of the following criteria: it is a conservative change, it occurs at a poorly conserved position in the protein, it is predicted to be benign by multiple in silico algorithms, and/or has population frequency not consistent with disease.